The following is an entry in ClinVar:

ClinVar aggregate classification (germline): Uncertain significance (1 of 4 stars; one submission).

Conditions:
Developmental and epileptic encephalopathy, 23 (DEE23). Also called: Epileptic encephalopathy, early infantile, 23. Identifiers: Orphanet 411986, MedGen C4014492, MONDO:0014371, OMIM 615859.

Allele frequency attached by ClinVar (database versions not stated): gnomAD 0.00001.
gnomAD v4.1: 2 of 1,613,866 alleles (0.00012%); highest among the groups gnomAD compares: Admixed American, 0.0033%; no homozygotes.

Submission:

Labcorp Genetics (formerly Invitae), Labcorp
Classification: Uncertain significance for Developmental and epileptic encephalopathy, 23. Last evaluated: 2019-11-14. Review status: criteria provided, single submitter. Criteria: Invitae Variant Classification Sherloc (09022015). Collection method: clinical testing. Allele origin: germline.
Comment: This variant has not been reported in the literature in individuals with DOCK7-related conditions. This variant is not present in population databases (ExAC no frequency). This sequence change replaces phenylalanine with valine at codon 488 of the DOCK7 protein (p.Phe488Val). The phenylalanine residue is moderately conserved and there is a small physicochemical difference between phenylalanine and valine. In summary, the available evidence is currently insufficient to determine the role of this variant in disease. Therefore, it has been classified as a Variant of Uncertain Significance. Algorithms developed to predict the effect of missense changes on protein structure and function (SIFT, PolyPhen-2, Align-GVGD) all suggest that this variant is likely to be tolerated, but these predictions have not been confirmed by published functional studies and their clinical significance is uncertain.

NM_001367561.1(DOCK7):c.1462T>G (p.Phe488Val)

Gene: DOCK7 (dedicator of cytokinesis 7; minus strand). Cytogenetic location: 1p31.3.
Variant type: single nucleotide variant.
Coding change: c.1462T>G on transcript NM_001367561.1 (MANE Select); coding-DNA position 1462, T replaced by G.
Protein change: p.Phe488Val; replaces phenylalanine 488 with valine.
Molecular consequence: missense variant.
Genome position (GRCh38, 1-based): chr1:62,619,957, A>C on the plus strand (T>G on the coding strand, the complement: DOCK7 is on the minus strand). VCF-style: chr1-62619957-A-C. GRCh37 (hg19) VCF-style: chr1-63085628-A-C.
Other names: c.1462T>G, p.Phe488Val (NM_001271999.2, NM_001272000.2, NM_001272001.2 and 3 more transcripts); short protein forms F488V.
Identifiers: ClinVar variation 957892 (VCV000957892.10), dbSNP rs576944459, ClinGen allele CA23768857.